The following is an entry in ClinVar:

NM_053025.4(MYLK):c.146C>T (p.Thr49Ile)

Gene: MYLK (myosin light chain kinase; minus strand). Cytogenetic location: 3q21.1.
Variant type: single nucleotide variant.
Coding change: c.146C>T on transcript NM_053025.4 (MANE Select); coding-DNA position 146, C replaced by T.
Protein change: p.Thr49Ile; replaces threonine 49 with isoleucine.
Molecular consequence: missense variant. On other transcripts: 5 prime UTR variant (1).
Genome position (GRCh38, 1-based): chr3:123,793,696, G>A on the plus strand (C>T on the coding strand, the complement: MYLK is on the minus strand). VCF-style: chr3-123793696-G-A. GRCh37 (hg19) VCF-style: chr3-123512543-G-A.
Other names: c.-175C>T (NM_001321309.2); c.146C>T, p.Thr49Ile (NM_053026.4, NM_053027.4, NM_053028.4); short protein forms T49I.
Identifiers: ClinVar variation 1207042 (VCV001207042.5), dbSNP rs1337572355, ClinGen allele CA354236411.

ClinVar aggregate classification (germline): Uncertain significance. Review status: criteria provided, multiple submitters, no conflicts (2 of 4 stars). 2 submissions from 2 submitters: Uncertain significance (2). Last evaluated 2023-06-14.

Conditions:
Familial thoracic aortic aneurysm and aortic dissection (TAAD). Also called: Thoracic aortic aneurysms and dissections. Identifiers: Orphanet 91387, MedGen C4707243, MONDO:0019625.

Allele frequency attached by ClinVar (database versions not stated): gnomAD exomes below 0.00001; gnomAD 0.00001.
gnomAD v4.1: 4 of 1,614,046 alleles (0.00025%); highest among the groups gnomAD compares: African/African-American, 0.0013%; no homozygotes.

Submissions (2):

Ambry Genetics
Classification: Uncertain significance for Familial thoracic aortic aneurysm and aortic dissection. Last evaluated: 2023-06-14. Review status: criteria provided, single submitter. Criteria: Ambry Variant Classification Scheme 2023. Collection method: clinical testing. Allele origin: germline.
Comment: The p.T49I variant (also known as c.146C>T), located in coding exon 1 of the MYLK gene, results from a C to T substitution at nucleotide position 146. The threonine at codon 49 is replaced by isoleucine, an amino acid with similar properties. This amino acid position is conserved. In addition, the in silico prediction for this alteration is inconclusive. Since supporting evidence is limited at this time, the clinical significance of this alteration remains unclear.

GeneDx
Classification: Uncertain significance. Last evaluated: 2020-04-16. Review status: criteria provided, single submitter. Criteria: GeneDx Variant Classification Process June 2021. Collection method: clinical testing. Allele origin: germline. Affected: yes.
Comment: Has not been previously published as pathogenic or benign to our knowledge; Not observed in large population cohorts (Lek et al., 2016); In silico analysis, which includes protein predictors and evolutionary conservation, supports that this variant does not alter protein structure/function